The following is an entry in ClinVar:

NM_001260.3(CDK8):c.656C>T (p.Ala219Val)

Gene: CDK8 (cyclin dependent kinase 8; plus strand). Cytogenetic location: 13q12.13.
Variant type: single nucleotide variant.
Coding change: c.656C>T on transcript NM_001260.3 (MANE Select); coding-DNA position 656, C replaced by T.
Protein change: p.Ala219Val; replaces alanine 219 with valine.
Molecular consequence: missense variant.
Genome position (GRCh38, 1-based): chr13:26,393,376, C>T. VCF-style: chr13-26393376-C-T. GRCh37 (hg19) VCF-style: chr13-26967513-C-T.
Other names: c.656C>T, p.Ala219Val (NM_001318368.2); c.137C>T, p.Ala46Val (NM_001346501.2); short protein forms A219V, A46V.
Identifiers: ClinVar variation 3363909 (VCV003363909.1).

ClinVar aggregate classification (germline): Uncertain significance (1 of 4 stars; one submission).

Submission:

GeneDx
Classification: Uncertain significance. Last evaluated: 2023-11-08. Review status: criteria provided, single submitter. Criteria: GeneDx Variant Classification Process June 2021. Collection method: clinical testing. Allele origin: germline. Affected: yes.
Comment: Not observed at significant frequency in large population cohorts (gnomAD); In silico analysis supports that this missense variant has a deleterious effect on protein structure/function; In silico analysis suggests this variant may impact gene splicing. In the absence of RNA/functional studies, the actual effect of this sequence change is unknown.; Has not been previously published as pathogenic or benign to our knowledge